The following is an entry in ClinVar:

ClinVar aggregate classification (germline): Uncertain significance (1 of 4 stars; one submission).

Allele frequency attached by ClinVar (database versions not stated): ExAC 0.00002; gnomAD 0.00007; TOPMed 0.00009; gnomAD exomes 0.00017.
gnomAD v4.1: 258 of 1,613,988 alleles (0.016%); highest among the groups gnomAD compares: Non-Finnish European, 0.021%; no homozygotes.

Submission:

Labcorp Genetics (formerly Invitae), Labcorp
Classification: Uncertain significance. Last evaluated: 2022-09-22. Review status: criteria provided, single submitter. Criteria: Invitae Variant Classification Sherloc (09022015). Collection method: clinical testing. Allele origin: germline.
Comment: This sequence change replaces alanine, which is neutral and non-polar, with serine, which is neutral and polar, at codon 1082 of the ERCC6 protein (p.Ala1082Ser). This variant is present in population databases (rs776367874, gnomAD 0.01%). This variant has not been reported in the literature in individuals affected with ERCC6-related conditions. Advanced modeling of protein sequence and biophysical properties (such as structural, functional, and spatial information, amino acid conservation, physicochemical variation, residue mobility, and thermodynamic stability) performed at Invitae indicates that this missense variant is not expected to disrupt ERCC6 protein function. In summary, the available evidence is currently insufficient to determine the role of this variant in disease. Therefore, it has been classified as a Variant of Uncertain Significance.

NM_000124.4(ERCC6):c.3244G>T (p.Ala1082Ser)

Gene: ERCC6 (ERCC excision repair 6, chromatin remodeling factor; minus strand). Cytogenetic location: 10q11.23.
Variant type: single nucleotide variant.
Coding change: c.3244G>T on transcript NM_000124.4 (MANE Select); coding-DNA position 3244, G replaced by T.
Protein change: p.Ala1082Ser; replaces alanine 1082 with serine.
Molecular consequence: missense variant.
Genome position (GRCh38, 1-based): chr10:49,470,716, C>A on the plus strand (G>T on the coding strand, the complement: ERCC6 is on the minus strand). VCF-style: chr10-49470716-C-A. GRCh37 (hg19) VCF-style: chr10-50678762-C-A.
Other names: c.3244G>T, p.Ala1082Ser (NM_001346440.2); short protein forms A1082S.
Identifiers: ClinVar variation 2156328 (VCV002156328.1), dbSNP rs776367874, ClinGen allele CA5495382.